The following is an entry in ClinVar:

NM_033026.6(PCLO):c.11654A>T (p.Tyr3885Phe)

Gene: PCLO (piccolo presynaptic cytomatrix protein; minus strand). Cytogenetic location: 7q21.11.
Variant type: single nucleotide variant.
Coding change: c.11654A>T on transcript NM_033026.6 (MANE Select); coding-DNA position 11654, A replaced by T.
Protein change: p.Tyr3885Phe; replaces tyrosine 3885 with phenylalanine.
Molecular consequence: missense variant.
Genome position (GRCh38, 1-based): chr7:82,916,332, T>A on the plus strand (A>T on the coding strand, the complement: PCLO is on the minus strand). VCF-style: chr7-82916332-T-A. GRCh37 (hg19) VCF-style: chr7-82545648-T-A.
Other names: c.11654A>T, p.Tyr3885Phe (NM_014510.3); short protein forms Y3885F.
Identifiers: ClinVar variation 2152050 (VCV002152050.4), dbSNP rs1384776661, ClinGen allele CA367893321.

ClinVar aggregate classification (germline): Uncertain significance (1 of 4 stars; one submission).

Allele frequency attached by ClinVar (database versions not stated): gnomAD exomes below 0.00001; gnomAD 0.00002; TOPMed 0.00003.
gnomAD v4.1: 4 of 1,613,584 alleles (0.00025%); highest among the groups gnomAD compares: African/African-American, 0.0053%; no homozygotes.

Submission:

Labcorp Genetics (formerly Invitae), Labcorp
Classification: Uncertain significance. Last evaluated: 2022-03-04. Review status: criteria provided, single submitter. Criteria: Invitae Variant Classification Sherloc (09022015). Collection method: clinical testing. Allele origin: germline.
Comment: This sequence change replaces tyrosine, which is neutral and polar, with phenylalanine, which is neutral and non-polar, at codon 3885 of the PCLO protein (p.Tyr3885Phe). This variant is present in population databases (no rsID available, gnomAD 0.02%). This variant has not been reported in the literature in individuals affected with PCLO-related conditions. Algorithms developed to predict the effect of missense changes on protein structure and function are either unavailable or do not agree on the potential impact of this missense change (SIFT: "Deleterious"; PolyPhen-2: "Not Available"; Align-GVGD: "Class C0"). In summary, the available evidence is currently insufficient to determine the role of this variant in disease. Therefore, it has been classified as a Variant of Uncertain Significance.